The following is an entry in ClinVar:

NM_002292.4(LAMB2):c.2450C>T (p.Ala817Val)

Gene: LAMB2 (laminin subunit beta 2; minus strand). Cytogenetic location: 3p21.31.
Variant type: single nucleotide variant.
Coding change: c.2450C>T on transcript NM_002292.4 (MANE Select); coding-DNA position 2450, C replaced by T.
Protein change: p.Ala817Val; replaces alanine 817 with valine.
Molecular consequence: missense variant.
Genome position (GRCh38, 1-based): chr3:49,125,785, G>A on the plus strand (C>T on the coding strand, the complement: LAMB2 is on the minus strand). VCF-style: chr3-49125785-G-A. GRCh37 (hg19) VCF-style: chr3-49163218-G-A.
Other names: c.2450C>T (NM_002292.3); short protein forms A817V.
Identifiers: ClinVar variation 2047448 (VCV002047448.2), dbSNP rs368457196, ClinGen allele CA2394299.

ClinVar aggregate classification (germline): Uncertain significance. Review status: criteria provided, multiple submitters, no conflicts (2 of 4 stars). 2 submissions from 2 submitters: Uncertain significance (2). Last evaluated 2024-06-13.

Conditions:
LAMB2-related infantile-onset nephrotic syndrome. Also called: Nephrotic Syndrome, type 5; NEPHROTIC SYNDROME, TYPE 5, WITHOUT OCULAR ABNORMALITIES; NEPHROTIC SYNDROME, TYPE 5, WITH OCULAR ABNORMALITIES. Identifiers: Orphanet 306507, MedGen C3280113, MONDO:0013621, OMIM 614199.
Pierson syndrome. Also called: MICROCORIA-CONGENITAL NEPHROTIC SYNDROME. Identifiers: Orphanet 2670, MedGen C1836876, MONDO:0012184, OMIM 609049.
Nephrotic syndrome. Identifiers: MedGen C0027726, MONDO:0005377, HP:0000100.

Allele frequency attached by ClinVar (database versions not stated): gnomAD exomes below 0.00001; gnomAD 0.00005; ExAC 0.00002; ESP Exome Variant Server 0.00008; TOPMed 0.00008.
gnomAD v4.1: 16 of 1,613,980 alleles (0.00099%); highest among the groups gnomAD compares: African/African-American, 0.019%; no homozygotes.

Submissions (2):

Molecular Genetics McLendon Clinical Laboratories, University of North Carolina at Chapel Hill
Classification: Uncertain significance for Nephrotic syndrome. Last evaluated: 2024-06-13. Review status: criteria provided, single submitter. Criteria: ACMG Guidelines, 2015. Collection method: clinical testing. Allele origin: germline.

Labcorp Genetics (formerly Invitae), Labcorp
Classification: Uncertain significance for LAMB2-related infantile-onset nephrotic syndrome; Pierson syndrome. Last evaluated: 2022-03-11. Review status: criteria provided, single submitter. Criteria: Invitae Variant Classification Sherloc (09022015). Collection method: clinical testing. Allele origin: germline.
Comment: This sequence change replaces alanine, which is neutral and non-polar, with valine, which is neutral and non-polar, at codon 817 of the LAMB2 protein (p.Ala817Val). This variant is present in population databases (rs368457196, gnomAD 0.02%). This variant has not been reported in the literature in individuals affected with LAMB2-related conditions. Algorithms developed to predict the effect of missense changes on protein structure and function are either unavailable or do not agree on the potential impact of this missense change (SIFT: "Deleterious"; PolyPhen-2: "Benign"; Align-GVGD: "Class C0"). In summary, the available evidence is currently insufficient to determine the role of this variant in disease. Therefore, it has been classified as a Variant of Uncertain Significance.